The following is an entry in ClinVar:

NM_003049.4(SLC10A1):c.746+21del

Gene: SLC10A1 (solute carrier family 10 member 1; minus strand). Cytogenetic location: 14q24.1.
Variant type: Deletion.
Coding change: c.746+21del on transcript NM_003049.4 (MANE Select); 21 bases into the intron after coding-DNA position 746, one base deleted (T; older notation c.746+21delT).
Molecular consequence: intron variant.
Genome position (GRCh38, 1-based): chr14:69,779,161, A deleted on the plus strand (T on the coding strand, the reverse complement: SLC10A1 is on the minus strand); the first of 14 consecutive A bases (chr14:69,779,161-69,779,174); deleting any one gives the same sequence. VCF-style (leftmost placement, unchanged base first): chr14-69779160-TA-T. GRCh37 (hg19) VCF-style: chr14-70245877-TA-T.
Other names: p.?.
Identifiers: ClinVar variation 4683890 (VCV004683890.1).
Genomic context (GRCh38, chr14:69,779,160, plus strand): 5'-GCAGTGAGCTGAGAATGTGCTACTCCCCTCCAGCCTGGGCAACAGAGTGAGACCCTTTCT[TA>T]AAAAAAAAAAAAATACCTACCGTCCATTGAGGCAGAAGAGAGCAGAGAGAACATAACCCA-3'

ClinVar aggregate classification (germline): Benign (1 of 4 stars; one submission).

Submission:

Mayo Clinic Laboratories, Mayo Clinic
Classification: Benign. Last evaluated: 2025-06-05. Review status: criteria provided, single submitter. Criteria: ACMG Guidelines, 2015. Collection method: clinical testing. Allele origin: germline. Observed: 459 variant alleles.
Comment: BA1, BP4, BP7